The following is an entry in ClinVar:

NM_000532.5(PCCB):c.1379T>C (p.Ile460Thr)

Gene: PCCB (propionyl-CoA carboxylase subunit beta; plus strand). Cytogenetic location: 3q22.3.
Variant type: single nucleotide variant.
Coding change: c.1379T>C on transcript NM_000532.5 (MANE Select); coding-DNA position 1379, T replaced by C.
Protein change: p.Ile460Thr; replaces isoleucine 460 with threonine.
Molecular consequence: missense variant.
Genome position (GRCh38, 1-based): chr3:136,327,713, T>C. VCF-style: chr3-136327713-T-C. GRCh37 (hg19) VCF-style: chr3-136046555-T-C.
Other names: c.1439T>C, p.Ile480Thr (NM_001178014.2); short protein forms I460T, I480T.
Identifiers: ClinVar variation 2629574 (VCV002629574.4), dbSNP rs2529974319, ClinGen allele CA354649470.
Genomic context (GRCh38, chr3:136,327,713, plus strand): 5'-ATGTCATGAGCTCTAAGCACCTTTGTGGTGATACCAACTATGCCTGGCCCACCGCAGAGA[T>C]TGCAGTCATGGGAGCAAAGGTGAGGGCCTCTTGCTTTTCCCTTTCTGGGTCCAAGGACTC-3'
Protein context (NP_000523.2, residues 450-470): DTNYAWPTAE[Ile460Thr]AVMGAKGAVE

ClinVar aggregate classification (germline): Conflicting classifications of pathogenicity. Review status: criteria provided, conflicting classifications (1 of 4 stars). 4 submissions from 4 submitters: Likely pathogenic (3); Uncertain significance (1). Last evaluated 2025-02-10.

Conditions:
PCCB-related disorder. Also called: PCCB-related condition.
Propionic acidemia (PROP). Also called: KETOTIC HYPERGLYCINEMIA; GLYCINEMIA, KETOTIC; HYPERGLYCINEMIA WITH KETOACIDOSIS AND LEUKOPENIA. Identifiers: Orphanet 35, MedGen C0268579, MONDO:0011628, OMIM 606054, HP:0003571.

Allele frequency attached by ClinVar (database versions not stated): gnomAD exomes below 0.00001.
gnomAD v4.1: 1 of 1,613,708 alleles (0.000062%); highest among the groups gnomAD compares: Non-Finnish European, 0.000085%; no homozygotes.

Submissions (4):

Women's Health and Genetics/Laboratory Corporation of America, LabCorp
Classification: Likely pathogenic for Propionic acidemia. Last evaluated: 2025-02-10. Review status: criteria provided, single submitter. Criteria: LabCorp Variant Classification Summary - May 2015. Collection method: clinical testing. Allele origin: germline.
Comment: Variant summary: PCCB c.1379T>C (p.Ile460Thr) results in a non-conservative amino acid change located in the acetyl-coenzyme A carboxyltransferase, C-terminal domain (IPR011763) of the encoded protein sequence. Five of five in-silico tools predict a damaging effect of the variant on protein function. The variant was absent in 251366 control chromosomes (gnomAD). c.1379T>C has been reported in the literature in at least an individual affected with propionic acidemia (Rivera-Barahona_2018). In vitro functional studies report reduced activity for this variant (Rivera-Barahona_2018). The following publication have been ascertained in the context of this evaluation (PMID: 30274917). ClinVar contains an entry for this variant (Variation ID: 2629574). Based on the evidence outlined above, the variant was classified as likely pathogenic.

Natera, Inc.
Classification: Likely pathogenic for Propionic acidemia. Last evaluated: 2024-10-22. Review status: criteria provided, single submitter. Criteria: Natera Variant Classification Schema (03/2026). Collection method: clinical testing. Allele origin: germline.
Comment: The c.1379T>C variant in PCCB is a missense variant predicted to cause substitution of isoleucine to threonine at amino acid 460. This variant is rare in the general population with a frequency below the threshold expected for the associated phenotype(s). This variant has been observed in one or more individuals affected with the associated recessive disease, as either homozygous or compound heterozygous with a second variant (PMID: 30274917). This variant has been identified in one or more affected individuals with a phenotype highly consistent with the associated gene (PMID: 30274917). Functional studies show that this variant may disrupt protein function (PMID: 30274917). Computational prediction algorithms indicate this variant is likely to affect gene or protein function. Given the available evidence, this variant is classified as Likely Pathogenic.

Baylor Genetics
Classification: Likely pathogenic for Propionic acidemia. Last evaluated: 2023-11-30. Review status: criteria provided, single submitter. Criteria: ACMG Guidelines, 2015. Collection method: clinical testing. Allele origin: unknown.

PreventionGenetics, part of Exact Sciences
Classification: Uncertain significance for PCCB-related condition. Last evaluated: 2023-03-14. Review status: criteria provided, single submitter. Criteria: ACMG Guidelines, 2015. Collection method: clinical testing. Allele origin: germline.
Comment: The PCCB c.1379T>C variant is predicted to result in the amino acid substitution p.Ile460Thr. This variant was reported in an individual with propionic acidemia and functional study in eukaryotic system confirmed that this variant resulted in medium-high protein levels but without any enzymatic activity (Rivera-Barahona et al 2018. PubMed ID: 30274917). This variant has not been reported in a large population database, indicating this variant is rare. Although we suspect this variant may be pathogenic, at this time, the clinical significance of this variant is uncertain due to the absence of conclusive functional and genetic evidence.

Literature cited by the submitters: PubMed 30274917 (cited by Women's Health and Genetics/Laboratory Corporation of America, LabCorp and Natera, Inc.).